The following is an entry in ClinVar:

ClinVar aggregate classification (germline): Uncertain significance. Review status: criteria provided, multiple submitters, no conflicts (2 of 4 stars). 2 submissions from 2 submitters: Uncertain significance (2). Last evaluated 2025-10-01.

Conditions:
Congenital contractural arachnodactyly (CCA). Also called: BEALS SYNDROME; Beals-Hecht syndrome; Arthrogryposis, distal, type 9. Identifiers: Orphanet 115, MedGen C0220668, MONDO:0007363, OMIM 121050.

Allele frequency attached by ClinVar (database versions not stated): gnomAD exomes below 0.00001; TOPMed 0.00001.
gnomAD v4.1: 11 of 1,613,930 alleles (0.00068%); highest among the groups gnomAD compares: Non-Finnish European, 0.00093%; no homozygotes.

Submissions (2):

Labcorp Genetics (formerly Invitae), Labcorp
Classification: Uncertain significance for Congenital contractural arachnodactyly. Last evaluated: 2025-10-01. Review status: criteria provided, single submitter. Criteria: Invitae Variant Classification Sherloc (09022015). Collection method: clinical testing. Allele origin: germline.
Comment: This sequence change replaces proline, which is neutral and non-polar, with histidine, which is basic and polar, at codon 1836 of the FBN2 protein (p.Pro1836His). This variant is present in population databases (no rsID available, gnomAD 0.0009%). This variant has not been reported in the literature in individuals affected with FBN2-related conditions. ClinVar contains an entry for this variant (Variation ID: 1677550). Invitae Evidence Modeling of protein sequence and biophysical properties (such as structural, functional, and spatial information, amino acid conservation, physicochemical variation, residue mobility, and thermodynamic stability) has been performed for this missense variant. However, the output from this modeling did not meet the statistical confidence thresholds required to predict the impact of this variant on FBN2 protein function. In summary, the available evidence is currently insufficient to determine the role of this variant in disease. Therefore, it has been classified as a Variant of Uncertain Significance.

AiLife Diagnostics
Classification: Uncertain significance. Last evaluated: 2021-10-05. Review status: criteria provided, single submitter. Criteria: ACMG Guidelines, 2015. Collection method: clinical testing. Allele origin: germline. Affected: yes. Observed: 1 variant allele.

NM_001999.4(FBN2):c.5507C>A (p.Pro1836His)

Gene: FBN2 (fibrillin 2; minus strand). Cytogenetic location: 5q23.3.
Variant type: single nucleotide variant.
Coding change: c.5507C>A on transcript NM_001999.4 (MANE Select); coding-DNA position 5507, C replaced by A.
Protein change: p.Pro1836His; replaces proline 1836 with histidine.
Molecular consequence: missense variant.
Genome position (GRCh38, 1-based): chr5:128,305,864, G>T on the plus strand (C>A on the coding strand, the complement: FBN2 is on the minus strand). VCF-style: chr5-128305864-G-T. GRCh37 (hg19) VCF-style: chr5-127641556-G-T.
Other names: short protein forms P1836H.
Identifiers: ClinVar variation 1677550 (VCV001677550.2), dbSNP rs1490178038, ClinGen allele CA360740980.